The following is an entry in ClinVar:

NM_016955.4(SEPSECS):c.1321G>A (p.Gly441Arg)

Gene: SEPSECS (Sep (O-phosphoserine) tRNA:Sec (selenocysteine) tRNA synthase; minus strand). Cytogenetic location: 4p15.2.
Variant type: single nucleotide variant.
Coding change: c.1321G>A on transcript NM_016955.4 (MANE Select); coding-DNA position 1321, G replaced by A.
Protein change: p.Gly441Arg; replaces glycine 441 with arginine.
Molecular consequence: missense variant.
Genome position (GRCh38, 1-based): chr4:25,124,116, C>T on the plus strand (G>A on the coding strand, the complement: SEPSECS is on the minus strand). VCF-style: chr4-25124116-C-T. GRCh37 (hg19) VCF-style: chr4-25125738-C-T.
Other names: c.1576G>A, p.Gly526Arg (NM_001410714.1); c.1321G>A (NM_016955.3); short protein forms G441R, G526R.
Identifiers: ClinVar variation 3256764 (VCV003256764.5).

ClinVar aggregate classification (germline): Likely pathogenic. Review status: criteria provided, multiple submitters, no conflicts (2 of 4 stars). 4 submissions from 4 submitters: Likely pathogenic (3). 1 of the submissions does not count toward it. Last evaluated 2024-04-23.

Conditions:
Pontocerebellar hypoplasia type 2D (PCH2D). Also called: Progressive cerebello-cerebral atrophy. Identifiers: Orphanet 247198, Orphanet 2524, MedGen C3151140, MONDO:0013438, OMIM 613811.

Submissions (4):

Natera, Inc.
Classification: Likely pathogenic for Pontocerebellar hypoplasia type 2d. Last evaluated: 2024-04-23. Review status: criteria provided, single submitter. Criteria: Natera Variant Classification Schema (03/2026). Collection method: clinical testing. Allele origin: germline.
Comment: The c.1321G>A variant in SEPSECS is a missense variant predicted to cause substitution of glycine to arginine at amino acid 441. This variant is rare in the general population with a frequency below the threshold expected for the associated phenotype(s). This variant has been observed in one or more individuals affected with the associated recessive disease, as either homozygous or compound heterozygous with a second variant (PMID: 29464431, 33624863, 35637137). Additionally, this variant has been observed to segregate in affected family members (PMID: 35637137). Computational prediction algorithms indicate this variant is likely to affect gene or protein function. Given the available evidence, this variant is classified as Likely Pathogenic.

Fulgent Genetics
Classification: Likely pathogenic for Pontocerebellar hypoplasia type 2D. Last evaluated: 2024-03-22. Review status: criteria provided, single submitter. Criteria: ACMG Guidelines, 2015. Collection method: clinical testing. Allele origin: germline.

Labcorp Genetics (formerly Invitae), Labcorp
Classification: Likely pathogenic. Last evaluated: 2024-02-26. Review status: criteria provided, single submitter. Criteria: Invitae Variant Classification Sherloc (09022015). Collection method: clinical testing. Allele origin: germline.
Comment: This sequence change replaces glycine, which is neutral and non-polar, with arginine, which is basic and polar, at codon 441 of the SEPSECS protein (p.Gly441Arg). This variant is present in population databases (rs754992211, gnomAD 0.006%). This missense change has been observed in individuals with pontocerebellar hypoplasia (PMID: 29464431, 33624863, 35637137). It has also been observed to segregate with disease in related individuals. Advanced modeling of protein sequence and biophysical properties (such as structural, functional, and spatial information, amino acid conservation, physicochemical variation, residue mobility, and thermodynamic stability) performed at Invitae indicates that this missense variant is expected to disrupt SEPSECS protein function with a positive predictive value of 80%. In summary, the currently available evidence indicates that the variant is pathogenic, but additional data are needed to prove that conclusively. Therefore, this variant has been classified as Likely Pathogenic.

Solve-RD Consortium
Classification: Likely pathogenic for Pontocerebellar hypoplasia type 2D. Last evaluated: 2022-06-01. Review status: no assertion criteria provided. Collection method: provider interpretation. Allele origin: inherited. Affected: yes. Not counted in ClinVar's aggregate classification.
Comment: Variant confirmed as disease-causing by referring clinical team

Variant identified during reanalysis of unsolved cases by the Solve-RD project. The Solve-RD project has received funding from the European Union’s Horizon 2020 research and innovation programme under grant agreement No 779257.

Literature cited by the submitters: PubMed 29464431 (cited by Natera, Inc. and Labcorp Genetics (formerly Invitae), Labcorp); PubMed 33624863 (cited by Natera, Inc. and Labcorp Genetics (formerly Invitae), Labcorp); PubMed 35637137 (cited by Natera, Inc. and Labcorp Genetics (formerly Invitae), Labcorp); PubMed 39825153 (cited by Solve-RD Consortium).